The following is an entry in ClinVar:

NM_000310.4(PPT1):c.330T>G (p.Asn110Lys)

Gene: PPT1 (palmitoyl-protein thioesterase 1; minus strand). Cytogenetic location: 1p34.2.
Variant type: single nucleotide variant.
Coding change: c.330T>G on transcript NM_000310.4 (MANE Select); coding-DNA position 330, T replaced by G.
Protein change: p.Asn110Lys; replaces asparagine 110 with lysine.
Molecular consequence: missense variant. On other transcripts: intron variant (1).
Genome position (GRCh38, 1-based): chr1:40,092,077, A>C on the plus strand (T>G on the coding strand, the complement: PPT1 is on the minus strand). VCF-style: chr1-40092077-A-C. GRCh37 (hg19) VCF-style: chr1-40557749-A-C.
Other names: c.330T>G, p.Asn110Lys (NM_001363695.2); c.125-2565T>G (NM_001142604.2); short protein forms N110K.
Identifiers: ClinVar variation 2153519 (VCV002153519.4), dbSNP rs1320425016, ClinGen allele CA339849024.

ClinVar aggregate classification (germline): Likely pathogenic (1 of 4 stars; one submission).

Conditions:
Neuronal ceroid lipofuscinosis 1 (CLN1). Also called: CEROID LIPOFUSCINOSIS, NEURONAL, 1, VARIABLE AGE AT ONSET; PPT1-Related Neuronal Ceroid-Lipofuscinosis. Identifiers: Orphanet 228329, MedGen C1850451, MONDO:0009744, OMIM 256730.

Allele frequency attached by ClinVar (database versions not stated): gnomAD exomes below 0.00001; gnomAD 0.00001; TOPMed 0.00001.
gnomAD v4.1: 2 of 1,614,024 alleles (0.00012%); highest among the groups gnomAD compares: Non-Finnish European, 0.00017%; no homozygotes.

Submission:

Labcorp Genetics (formerly Invitae), Labcorp
Classification: Likely pathogenic for Neuronal ceroid lipofuscinosis 1. Last evaluated: 2024-10-24. Review status: criteria provided, single submitter. Criteria: Invitae Variant Classification Sherloc (09022015). Collection method: clinical testing. Allele origin: germline.
Comment: This sequence change replaces asparagine, which is neutral and polar, with lysine, which is basic and polar, at codon 110 of the PPT1 protein (p.Asn110Lys). This variant is not present in population databases (gnomAD no frequency). This variant has not been reported in the literature in individuals affected with PPT1-related conditions. ClinVar contains an entry for this variant (Variation ID: 2153519). Invitae Evidence Modeling of protein sequence and biophysical properties (such as structural, functional, and spatial information, amino acid conservation, physicochemical variation, residue mobility, and thermodynamic stability) indicates that this missense variant is expected to disrupt PPT1 protein function with a positive predictive value of 95%. This variant disrupts the p.Asn110 amino acid residue in PPT1. Other variant(s) that disrupt this residue have been determined to be pathogenic (PMID: 30541466). This suggests that this residue is clinically significant, and that variants that disrupt this residue are likely to be disease-causing. In summary, the currently available evidence indicates that the variant is pathogenic, but additional data are needed to prove that conclusively. Therefore, this variant has been classified as Likely Pathogenic.

Literature cited by the submitters: PubMed 30541466.